The following is an entry in ClinVar:

NM_005228.5(EGFR):c.3341C>T (p.Pro1114Leu)

Gene: EGFR (epidermal growth factor receptor; plus strand). Cytogenetic location: 7p11.2.
Variant type: single nucleotide variant.
Coding change: c.3341C>T on transcript NM_005228.5 (MANE Select); coding-DNA position 3341, C replaced by T.
Protein change: p.Pro1114Leu; replaces proline 1114 with leucine.
Molecular consequence: missense variant.
Genome position (GRCh38, 1-based): chr7:55,205,325, C>T. VCF-style: chr7-55205325-C-T. GRCh37 (hg19) VCF-style: chr7-55273018-C-T.
Other names: c.3206C>T, p.Pro1069Leu (NM_001346899.2); c.3182C>T, p.Pro1061Leu (NM_001346900.2); c.2540C>T, p.Pro847Leu (NM_001346941.2); short protein forms P1061L, P1114L, P847L, P1069L.
Identifiers: ClinVar variation 1350944 (VCV001350944.6), dbSNP rs2128975193, ClinGen allele CA367584408.
Genomic context (GRCh38, chr7:55,205,325, plus strand): 5'-ACCAGTCCGTTCCCAAAAGGCCCGCTGGCTCTGTGCAGAATCCTGTCTATCACAATCAGC[C>T]TCTGAACCCCGCGCCCAGCAGAGACCCACACTACCAGGACCCCCACAGCACTGCAGTGGG-3'
Protein context (NP_005219.2, residues 1104-1124): SVQNPVYHNQ[Pro1114Leu]LNPAPSRDPH

ClinVar aggregate classification (germline): Uncertain significance (1 of 4 stars; one submission).

Conditions:
EGFR-related lung cancer (EGFR). Identifiers: MedGen CN130014.

Submission:

Labcorp Genetics (formerly Invitae), Labcorp
Classification: Uncertain significance for EGFR-related lung cancer. Last evaluated: 2024-01-10. Review status: criteria provided, single submitter. Criteria: Invitae Variant Classification Sherloc (09022015). Collection method: clinical testing. Allele origin: germline.
Comment: This sequence change replaces proline, which is neutral and non-polar, with leucine, which is neutral and non-polar, at codon 1114 of the EGFR protein (p.Pro1114Leu). This variant is not present in population databases (gnomAD no frequency). This variant has not been reported in the literature in individuals affected with EGFR-related conditions. ClinVar contains an entry for this variant (Variation ID: 1350944). An algorithm developed to predict the effect of missense changes on protein structure and function (PolyPhen-2) suggests that this variant¬†is likely to be tolerated. In summary, the available evidence is currently insufficient to determine the role of this variant in disease. Therefore, it has been classified as a Variant of Uncertain Significance.